The following is an entry in ClinVar:

NM_018026.4(PACS1):c.1825C>T (p.Arg609Trp)

Gene: PACS1 (phosphofurin acidic cluster sorting protein 1; plus strand). Cytogenetic location: 11q13.2.
Variant type: single nucleotide variant.
Coding change: c.1825C>T on transcript NM_018026.4 (MANE Select); coding-DNA position 1825, C replaced by T.
Protein change: p.Arg609Trp; replaces arginine 609 with tryptophan.
Molecular consequence: missense variant.
Genome position (GRCh38, 1-based): chr11:66,233,053, C>T. VCF-style: chr11-66233053-C-T. GRCh37 (hg19) VCF-style: chr11-66000524-C-T.
Other names: short protein forms R609W.
Identifiers: ClinVar variation 2717149 (VCV002717149.3), dbSNP rs770308805, ClinGen allele CA6116679.
Genomic context (GRCh38, chr11:66,233,053, plus strand): 5'-CCTGTGGTGTGCACCTGCTCCACCGTGGAGGTCCAGGCCGTGCTGTCCGCCCTGCTCACC[C>T]GGATCCAGCGCTAGTAAGGGCTCTGGCCTCCCTTCTCCTGCCCTTAGAGATTCCCTCTGA-3'
Protein context (NP_060496.2, residues 599-619): VQAVLSALLT[Arg609Trp]IQRYCNCNSS

ClinVar aggregate classification (germline): Uncertain significance (1 of 4 stars; one submission).

Conditions:
Schuurs-Hoeijmakers syndrome. Also called: PACS1-Related Neurodevelopmental Disorder. Identifiers: Orphanet 329224, MedGen C3554343, MONDO:0014006, OMIM 615009.

Allele frequency attached by ClinVar (database versions not stated): ExAC 0.00005; gnomAD exomes 0.00001; TOPMed below 0.00001; gnomAD 0.00001.
gnomAD v4.1: 11 of 1,608,572 alleles (0.00068%); highest among the groups gnomAD compares: South Asian, 0.0011%; no homozygotes.

Submission:

Labcorp Genetics (formerly Invitae), Labcorp
Classification: Uncertain significance for Schuurs-Hoeijmakers syndrome. Last evaluated: 2023-05-18. Review status: criteria provided, single submitter. Criteria: Invitae Variant Classification Sherloc (09022015). Collection method: clinical testing. Allele origin: germline.
Comment: This variant is present in population databases (rs770308805, gnomAD 0.005%). In summary, the available evidence is currently insufficient to determine the role of this variant in disease. Therefore, it has been classified as a Variant of Uncertain Significance. Advanced modeling of protein sequence and biophysical properties (such as structural, functional, and spatial information, amino acid conservation, physicochemical variation, residue mobility, and thermodynamic stability) performed at Invitae indicates that this missense variant is not expected to disrupt PACS1 protein function. This variant has not been reported in the literature in individuals affected with PACS1-related conditions. This sequence change replaces arginine, which is basic and polar, with tryptophan, which is neutral and slightly polar, at codon 609 of the PACS1 protein (p.Arg609Trp).